The following is an entry in ClinVar:

ClinVar aggregate classification (germline): Likely pathogenic (1 of 4 stars; one submission).

Submission:

CeGaT Center for Human Genetics Tuebingen
Classification: Likely pathogenic. Last evaluated: 2024-05-01. Review status: criteria provided, single submitter. Criteria: CeGaT Center For Human Genetics Tuebingen Variant Classification Criteria Version 2. Collection method: clinical testing. Allele origin: germline. Affected: yes. Observed: 1 variant allele.
Comment: OTX2: PS2, PM2, PP2, PP3, PS4:Supporting

NM_021728.4(OTX2):c.273G>C (p.Gln91His)

Gene: OTX2 (orthodenticle homeobox 2; minus strand). Cytogenetic location: 14q22.3.
Variant type: single nucleotide variant.
Coding change: c.273G>C on transcript NM_021728.4 (MANE Select); coding-DNA position 273, G replaced by C.
Protein change: p.Gln91His; replaces glutamine 91 with histidine.
Molecular consequence: missense variant.
Genome position (GRCh38, 1-based): chr14:56,804,188, C>G on the plus strand (G>C on the coding strand, the complement: OTX2 is on the minus strand). VCF-style: chr14-56804188-C-G. GRCh37 (hg19) VCF-style: chr14-57270906-C-G.
Other names: c.249G>C, p.Gln83His (NM_001270523.2, NM_001270524.2, NM_172337.3); c.273G>C, p.Gln91His (NM_001270525.2); short protein forms Q83H, Q91H.
Identifiers: ClinVar variation 3239363 (VCV003239363.19), dbSNP rs2503907025.